The following is an entry in ClinVar:

ClinVar aggregate classification (germline): Uncertain significance (1 of 4 stars; one submission).

Conditions:
Autosomal dominant hypocalcemia 1 (HYPOC1). Also called: HYPOCALCEMIA, FAMILIAL. Identifiers: MedGen C3715128, MONDO:0011013, OMIM 601198.
Familial hypocalciuric hypercalcemia (FHH). Also called: Familial benign hypercalcemia. Identifiers: Orphanet 405, MedGen C1809471, MONDO:0018458.

Submission:

Labcorp Genetics (formerly Invitae), Labcorp
Classification: Uncertain significance for Familial hypocalciuric hypercalcemia; Autosomal dominant hypocalcemia 1. Last evaluated: 2023-05-01. Review status: criteria provided, single submitter. Criteria: Invitae Variant Classification Sherloc (09022015). Collection method: clinical testing. Allele origin: germline.
Comment: This variant is not present in population databases (gnomAD no frequency). This sequence change replaces isoleucine, which is neutral and non-polar, with methionine, which is neutral and non-polar, at codon 243 of the CASR protein (p.Ile243Met). This variant has not been reported in the literature in individuals affected with CASR-related conditions. In summary, the available evidence is currently insufficient to determine the role of this variant in disease. Therefore, it has been classified as a Variant of Uncertain Significance. An algorithm developed to predict the effect of missense changes on protein structure and function (PolyPhen-2) suggests that this variant is likely to be disruptive.

NM_000388.4(CASR):c.729C>G (p.Ile243Met)

Gene: CASR (calcium sensing receptor; plus strand). Cytogenetic location: 3q21.1.
Variant type: single nucleotide variant.
Coding change: c.729C>G on transcript NM_000388.4 (MANE Select); coding-DNA position 729, C replaced by G.
Protein change: p.Ile243Met; replaces isoleucine 243 with methionine.
Molecular consequence: missense variant.
Genome position (GRCh38, 1-based): chr3:122,261,764, C>G. VCF-style: chr3-122261764-C-G. GRCh37 (hg19) VCF-style: chr3-121980611-C-G.
Other names: c.729C>G, p.Ile243Met (NM_001178065.2); short protein forms I243M.
Identifiers: ClinVar variation 2932209 (VCV002932209.3), dbSNP rs2107632173, ClinGen allele CA354151227.